The following is an entry in ClinVar:

ClinVar aggregate classification (germline): Uncertain significance. Review status: criteria provided, multiple submitters, no conflicts (2 of 4 stars). 2 submissions from 2 submitters: Uncertain significance (2). Last evaluated 2025-02-28.

Conditions:
Hypertrophic cardiomyopathy 14. Identifiers: MedGen C2750467, MONDO:0013197, OMIM 613251.
Cardiovascular phenotype. Identifiers: MedGen CN230736.

Allele frequency attached by ClinVar (database versions not stated): gnomAD exomes below 0.00001 and 0.00001; TOPMed below 0.00001; ExAC 0.00001; gnomAD 0.00003.
gnomAD v4.1: 13 of 1,614,094 alleles (0.00081%); highest among the groups gnomAD compares: Non-Finnish European, 0.0011%; no homozygotes.

Submissions (2):

Labcorp Genetics (formerly Invitae), Labcorp
Classification: Uncertain significance for Hypertrophic cardiomyopathy 14. Last evaluated: 2025-02-28. Review status: criteria provided, single submitter. Criteria: Invitae Variant Classification Sherloc (09022015). Collection method: clinical testing. Allele origin: germline.
Comment: This sequence change replaces lysine, which is basic and polar, with threonine, which is neutral and polar, at codon 1026 of the MYH6 protein (p.Lys1026Thr). This variant is present in population databases (rs746844081, gnomAD 0.01%). This missense change has been observed in individual(s) with dilated cardiomyopathy (PMID: 31737537). ClinVar contains an entry for this variant (Variation ID: 1521954). Invitae Evidence Modeling of protein sequence and biophysical properties (such as structural, functional, and spatial information, amino acid conservation, physicochemical variation, residue mobility, and thermodynamic stability) indicates that this missense variant is expected to disrupt MYH6 protein function with a positive predictive value of 80%. In summary, the available evidence is currently insufficient to determine the role of this variant in disease. Therefore, it has been classified as a Variant of Uncertain Significance.

Ambry Genetics
Classification: Uncertain significance for Cardiovascular phenotype. Last evaluated: 2022-09-15. Review status: criteria provided, single submitter. Criteria: Ambry Variant Classification Scheme 2023. Collection method: clinical testing. Allele origin: germline.
Comment: The p.K1026T variant (also known as c.3077A>C), located in coding exon 21 of the MYH6 gene, results from an A to C substitution at nucleotide position 3077. The lysine at codon 1026 is replaced by threonine, an amino acid with similar properties. This alteration has been reported in a dilated cardiomyopathy cohort; however, clinical details were limited (Marschall C et al. Cardiovasc Diagn Ther, 2019 Oct;9:S292-S298). This amino acid position is highly conserved in available vertebrate species. In addition, this alteration is predicted to be deleterious by in silico analysis. Since supporting evidence is limited at this time, the clinical significance of this alteration remains unclear.

Literature cited by the submitters: PubMed 31737537 (cited by Labcorp Genetics (formerly Invitae), Labcorp and Ambry Genetics).

NM_002471.4(MYH6):c.3077A>C (p.Lys1026Thr)

Gene: MYH6 (myosin heavy chain 6; minus strand). Cytogenetic location: 14q11.2.
Variant type: single nucleotide variant.
Coding change: c.3077A>C on transcript NM_002471.4 (MANE Select); coding-DNA position 3077, A replaced by C.
Protein change: p.Lys1026Thr; replaces lysine 1026 with threonine.
Molecular consequence: missense variant.
Genome position (GRCh38, 1-based): chr14:23,393,370, T>G on the plus strand (A>C on the coding strand, the complement: MYH6 is on the minus strand). VCF-style: chr14-23393370-T-G. GRCh37 (hg19) VCF-style: chr14-23862579-T-G.
Other names: short protein forms K1026T.
Identifiers: ClinVar variation 1521954 (VCV001521954.10), dbSNP rs746844081, ClinGen allele CA7115318.